The following is an entry in ClinVar:

ClinVar aggregate classification (germline): Pathogenic (1 of 4 stars; one submission).

Conditions:
Neurofibromatosis, type 1 (NF1). Also called: NEUROFIBROMATOSIS, TYPE I, SOMATIC; VON RECKLINGHAUSEN DISEASE; Neurofibromatosis, type I; Peripheral type neurofibromatosis. Identifiers: Orphanet 636, MedGen C0027831, MONDO:0018975, OMIM 162200. Disease mechanism: loss of function.

Submission:

Labcorp Genetics (formerly Invitae), Labcorp
Classification: Pathogenic for Neurofibromatosis, type 1. Last evaluated: 2020-11-25. Review status: criteria provided, single submitter. Criteria: Invitae Variant Classification Sherloc (09022015). Collection method: clinical testing. Allele origin: germline.
Comment: For these reasons, this variant has been classified as Pathogenic. This variant has not been reported in the literature in individuals with NF1-related conditions. This variant is not present in population databases (ExAC no frequency). This sequence change creates a premature translational stop signal (p.Ser1355*) in the NF1 gene. It is expected to result in an absent or disrupted protein product. Loss-of-function variants in NF1 are known to be pathogenic (PMID: 10712197, 23913538).

Literature cited by the submitters: PubMed 10712197; PubMed 23913538.

NM_001042492.3(NF1):c.4064C>A (p.Ser1355Ter)

Gene: NF1 (neurofibromin 1; plus strand). Cytogenetic location: 17q11.2.
Variant type: single nucleotide variant.
Coding change: c.4064C>A on transcript NM_001042492.3 (MANE Select); coding-DNA position 4064, C replaced by A.
Protein change: p.Ser1355Ter; replaces serine 1355 with a stop codon.
Molecular consequence: nonsense.
Genome position (GRCh38, 1-based): chr17:31,249,073, C>A. VCF-style: chr17-31249073-C-A. GRCh37 (hg19) VCF-style: chr17-29576091-C-A.
Other names: c.4064C>A, p.Ser1355Ter (NM_000267.4); short protein forms S1355*.
Identifiers: ClinVar variation 1357659 (VCV001357659.6), dbSNP rs1131691087, ClinGen allele CA398995006.
Genomic context (GRCh38, chr17:31,249,073, plus strand): 5'-ACCAGCGGAACCTCCTTCAGATGACTGAAAAGTTCTTCCATGCCATCATCAGTTCCTCCT[C>A]AGAATTCCCCCCTCAACTTCGAAGTGTGTGCCACTGTTTATACCAGGTATGCTTACAGTT-3'